The following is an entry in ClinVar:

NM_024426.6(WT1):c.128G>C (p.Gly43Ala)

Genes: WT1 (WT1 transcription factor; minus strand), LOC107982234 (WT1/WT1-AS bi-directional promoter region; plus strand). Cytogenetic location: 11p13.
Variant type: single nucleotide variant.
Coding change: c.128G>C on transcript NM_024426.6 (MANE Select); coding-DNA position 128, G replaced by C.
Protein change: p.Gly43Ala; replaces glycine 43 with alanine.
Molecular consequence: missense variant. On other transcripts: 5 prime UTR variant (4), non-coding transcript variant (2).
Genome position (GRCh38, 1-based): chr11:32,435,233, C>G on the plus strand (G>C on the coding strand, the complement: WT1 is on the minus strand). VCF-style: chr11-32435233-C-G. GRCh37 (hg19) VCF-style: chr11-32456779-C-G.
Other names: c.128G>C, p.Gly43Ala (NM_000378.6, NM_001407044.1, NM_001407045.1 and 6 more transcripts); c.-92G>C (NM_001429031.1, NM_001429032.1, NM_001429033.1 and 1 more transcripts); short protein forms G43A, G38A.
Identifiers: ClinVar variation 4825405 (VCV004825405.1).

ClinVar aggregate classification (germline): Uncertain significance (1 of 4 stars; one submission).

Conditions:
Inborn genetic diseases. Identifiers: MedGen C0950123, MeSH D030342.

Submission:

Ambry Genetics
Classification: Uncertain significance for Inborn genetic diseases. Last evaluated: 2026-02-15. Review status: criteria provided, single submitter. Criteria: Ambry Variant Classification Scheme 2023. Collection method: clinical testing. Allele origin: germline.
Comment: The p.G38A variant (also known as c.113G>C), located in coding exon 1 of the WT1 gene, results from a G to C substitution at nucleotide position 113. The glycine at codon 38 is replaced by alanine, an amino acid with similar properties. This amino acid position is conserved. In addition, this alteration is predicted to be tolerated by in silico analysis. Based on the available evidence, the clinical significance of this variant remains unclear.